The following is an entry in ClinVar:

NM_004525.3(LRP2):c.9064A>G (p.Ser3022Gly)

Gene: LRP2 (LDL receptor related protein 2; minus strand). Cytogenetic location: 2q31.1.
Variant type: single nucleotide variant.
Coding change: c.9064A>G on transcript NM_004525.3 (MANE Select); coding-DNA position 9064, A replaced by G.
Protein change: p.Ser3022Gly; replaces serine 3022 with glycine.
Molecular consequence: missense variant.
Genome position (GRCh38, 1-based): chr2:169,188,234, T>C on the plus strand (A>G on the coding strand, the complement: LRP2 is on the minus strand). VCF-style: chr2-169188234-T-C. GRCh37 (hg19) VCF-style: chr2-170044744-T-C.
Other names: short protein forms S3022G.
Identifiers: ClinVar variation 1913944 (VCV001913944.3), dbSNP rs772254944, ClinGen allele CA1953673.
Genomic context (GRCh38, chr2:169,188,234, plus strand): 5'-CGTTCTGACAGGTAAACTGATTCTGTTGGCAAGTCTGGTATAAGCAGCCCCTCTCGTCGC[T>C]ATAGTCACCACAGTCATTGTGCCGGTCACACCTGTATCATGAGATCCAGTACCACTTTCA-3'
Protein context (NP_004516.2, residues 3012-3032): CDRHNDCGDY[Ser3022Gly]DERGCLYQTC

ClinVar aggregate classification (germline): Uncertain significance. Review status: criteria provided, multiple submitters, no conflicts (2 of 4 stars). 2 submissions from 2 submitters: Uncertain significance (2). Last evaluated 2024-05-30.

Conditions:
Donnai-Barrow syndrome. Also called: DBS/FOAR SYNDROME; FACIOOCULOACOUSTICORENAL SYNDROME. Identifiers: Orphanet 2143, MedGen C1857277, MONDO:0009104, OMIM 222448.

Allele frequency attached by ClinVar (database versions not stated): ExAC 0.00002; gnomAD 0.00003; gnomAD exomes 0.00003; TOPMed 0.00003.
gnomAD v4.1: 47 of 1,614,060 alleles (0.0029%); highest among the groups gnomAD compares: Non-Finnish European, 0.0037%; no homozygotes.

Submissions (2):

Fulgent Genetics
Classification: Uncertain significance for Donnai-Barrow syndrome. Last evaluated: 2024-05-30. Review status: criteria provided, single submitter. Criteria: ACMG Guidelines, 2015. Collection method: clinical testing. Allele origin: germline.

Labcorp Genetics (formerly Invitae), Labcorp
Classification: Uncertain significance. Last evaluated: 2022-04-08. Review status: criteria provided, single submitter. Criteria: Invitae Variant Classification Sherloc (09022015). Collection method: clinical testing. Allele origin: germline.
Comment: This sequence change replaces serine, which is neutral and polar, with glycine, which is neutral and non-polar, at codon 3022 of the LRP2 protein (p.Ser3022Gly). This variant is present in population databases (rs772254944, gnomAD 0.008%). This variant has not been reported in the literature in individuals affected with LRP2-related conditions. Advanced modeling of protein sequence and biophysical properties (such as structural, functional, and spatial information, amino acid conservation, physicochemical variation, residue mobility, and thermodynamic stability) performed at Invitae indicates that this missense variant is expected to disrupt LRP2 protein function. In summary, the available evidence is currently insufficient to determine the role of this variant in disease. Therefore, it has been classified as a Variant of Uncertain Significance.